The following is an entry in ClinVar:

NM_001321967.2(ATAD1):c.26G>A (p.Arg9His)

Gene: ATAD1 (ATPase family AAA domain containing 1; minus strand). Cytogenetic location: 10q23.31.
Variant type: single nucleotide variant.
Coding change: c.26G>A on transcript NM_001321967.2 (MANE Select); coding-DNA position 26, G replaced by A.
Protein change: p.Arg9His; replaces arginine 9 with histidine.
Molecular consequence: missense variant. On other transcripts: 5 prime UTR variant (1), non-coding transcript variant (1).
Genome position (GRCh38, 1-based): chr10:87,814,574, C>T on the plus strand (G>A on the coding strand, the complement: ATAD1 is on the minus strand). VCF-style: chr10-87814574-C-T. GRCh37 (hg19) VCF-style: chr10-89574331-C-T.
Other names: c.26G>A, p.Arg9His (NM_001321968.2, NM_032810.4); c.-422G>A (NM_001321969.2); short protein forms R9H.
Identifiers: ClinVar variation 1361896 (VCV001361896.6), dbSNP rs189457596, ClinGen allele CA5590178.

ClinVar aggregate classification (germline): Uncertain significance (1 of 4 stars; one submission).

Allele frequency attached by ClinVar (database versions not stated): gnomAD 0.00001 and 0.00003; TOPMed 0.00002; gnomAD exomes 0.00004 and 0.00006; ExAC 0.00005; 1000 Genomes Project 30x 0.00031; 1000 Genomes Project 0.00040.
gnomAD v4.1: 66 of 1,609,812 alleles (0.0041%); highest among the groups gnomAD compares: East Asian, 0.022%; no homozygotes.

Submission:

Labcorp Genetics (formerly Invitae), Labcorp
Classification: Uncertain significance. Last evaluated: 2022-10-13. Review status: criteria provided, single submitter. Criteria: Invitae Variant Classification Sherloc (09022015). Collection method: clinical testing. Allele origin: germline.
Comment: This variant has not been reported in the literature in individuals affected with ATAD1-related conditions. In summary, the available evidence is currently insufficient to determine the role of this variant in disease. Therefore, it has been classified as a Variant of Uncertain Significance. Algorithms developed to predict the effect of missense changes on protein structure and function are either unavailable or do not agree on the potential impact of this missense change (SIFT: "Not Available"; PolyPhen-2: "Possibly Damaging"; Align-GVGD: "Not Available"). ClinVar contains an entry for this variant (Variation ID: 1361896). This variant is present in population databases (rs189457596, gnomAD 0.05%). This sequence change replaces arginine, which is basic and polar, with histidine, which is basic and polar, at codon 9 of the ATAD1 protein (p.Arg9His).